The following is an entry in ClinVar:

NM_001321075.3(DLG4):c.1591+1G>A

Gene: DLG4 (discs large MAGUK scaffold protein 4; minus strand). Cytogenetic location: 17p13.1.
Variant type: single nucleotide variant.
Coding change: c.1591+1G>A on transcript NM_001321075.3 (MANE Select); the canonical splice donor site of the intron after coding-DNA position 1591, G replaced by A.
Molecular consequence: splice donor variant.
Genome position (GRCh38, 1-based): chr17:7,193,666, C>T on the plus strand (G>A on the coding strand, the complement: DLG4 is on the minus strand). VCF-style: chr17-7193666-C-T. GRCh37 (hg19) VCF-style: chr17-7096985-C-T.
Other names: c.1720+1G>A (NM_001365.5); c.1582+1G>A (NM_001128827.4); c.1510+1G>A (NM_001369566.3); c.1411+1G>A (NM_001321077.3, NM_001321076.3); c.1711+1G>A (NM_001321074.1).
Identifiers: ClinVar variation 4072456 (VCV004072456.1).
Genomic context (GRCh38, chr17:7,193,666, plus strand): 5'-GGCCGAGCGCAGGGTTGGGGGAGCAGCAAGTGCTGGGGCCAAGGCAGGGGCCAGGGCTCA[C>T]CTTCCATCTGCGTCACTGTCTCGTAGCTCAGAACCGAGTCTTCTCGACCTGGTGGGAGGT-3'

ClinVar aggregate classification (germline): Likely pathogenic (1 of 4 stars; one submission).

Submission:

GeneDx
Classification: Likely pathogenic. Last evaluated: 2025-01-31. Review status: criteria provided, single submitter. Criteria: GeneDx Variant Classification Process June 2021. Collection method: clinical testing. Allele origin: germline. Affected: yes.
Comment: Canonical splice site variant predicted to result in an in-frame loss of the adjacent exon in a gene for which loss of function is a known mechanism of disease; Not observed at significant frequency in large population cohorts (gnomAD); Has not been previously published as pathogenic or benign to our knowledge